The following is an entry in ClinVar:

ClinVar aggregate classification (germline): Uncertain significance (1 of 4 stars; one submission).

Conditions:
Nance-Horan syndrome (NHS). Identifiers: Orphanet 627, MedGen C0796085, MONDO:0010545, OMIM 302350.

Submission:

Labcorp Genetics (formerly Invitae), Labcorp
Classification: Uncertain significance for Nance-Horan syndrome. Last evaluated: 2023-10-23. Review status: criteria provided, single submitter. Criteria: Invitae Variant Classification Sherloc (09022015). Collection method: clinical testing. Allele origin: germline.
Comment: This sequence change falls in intron 2 of the NHS gene. It does not directly change the encoded amino acid sequence of the NHS protein. This variant is not present in population databases (gnomAD no frequency). This variant has not been reported in the literature in individuals affected with NHS-related conditions. Algorithms developed to predict the effect of sequence changes on RNA splicing suggest that this variant may disrupt the consensus splice site. In summary, the available evidence is currently insufficient to determine the role of this variant in disease. Therefore, it has been classified as a Variant of Uncertain Significance.

NM_001291867.2(NHS):c.719-9C>G

Gene: NHS (NHS actin remodeling regulator; plus strand). Cytogenetic location: Xp22.13.
Variant type: single nucleotide variant.
Coding change: c.719-9C>G on transcript NM_001291867.2 (MANE Select); 9 bases into the intron before coding-DNA position 719, C replaced by G.
Molecular consequence: intron variant.
Genome position (GRCh38, 1-based): chrX:17,692,326, C>G. VCF-style: chrX-17692326-C-G. GRCh37 (hg19) VCF-style: chrX-17710446-C-G.
Other names: c.719-9C>G (NM_198270.4); c.188-9C>G (NM_001136024.4, NM_001291868.2).
Identifiers: ClinVar variation 2876333 (VCV002876333.3), dbSNP rs201582484, ClinGen allele CA2739268095.